The following is an entry in ClinVar:

NM_001386795.1(DTNA):c.1435-11A>G

Gene: DTNA (dystrobrevin alpha; plus strand). Cytogenetic location: 18q12.1.
Variant type: single nucleotide variant.
Coding change: c.1435-11A>G on transcript NM_001386795.1 (MANE Select); 11 bases into the intron before coding-DNA position 1435, A replaced by G.
Molecular consequence: intron variant.
Genome position (GRCh38, 1-based): chr18:34,851,820, A>G. VCF-style: chr18-34851820-A-G. GRCh37 (hg19) VCF-style: chr18-32431784-A-G.
Other names: c.1183-11A>G (NM_032975.4, NM_001386761.1, NM_032979.5); c.1183-14A>G (NM_001386762.1); c.1264-11A>G (NM_001386754.1, NM_001386755.1, NM_001386757.1 and 4 more transcripts); c.1264-14A>G (NM_001386760.1); c.1174-11A>G (NM_001386763.1, NM_001386764.1, NM_001386771.1 and 9 more transcripts); c.1174-14A>G (NM_001386768.1, NM_001386773.1, NM_001386769.1 and 1 more transcripts); c.604-11A>G (NM_001198945.2); c.1435-11A>G (NM_001386788.1); and 7 more.
Identifiers: ClinVar variation 509344 (VCV000509344.5), dbSNP rs758607581, ClinGen allele CA8935725.

ClinVar aggregate classification (germline): Likely benign. Review status: criteria provided, multiple submitters, no conflicts (2 of 4 stars). 2 submissions from 2 submitters: Likely benign (2). Last evaluated 2022-04-28.

Conditions:
Left ventricular noncompaction 1 (LVNC1). Also called: LEFT VENTRICULAR NONCOMPACTION 1 WITH OR WITHOUT CONGENITAL HEART DEFECTS. Identifiers: Orphanet 54260, MedGen C1858725, MONDO:0011403, OMIM 604169.

Allele frequency attached by ClinVar (database versions not stated): gnomAD 0.00001; TOPMed 0.00001.
gnomAD v4.1: 31 of 1,613,592 alleles (0.0019%); highest among the groups gnomAD compares: Non-Finnish European, 0.0026%; no homozygotes.

Submissions (2):

Labcorp Genetics (formerly Invitae), Labcorp
Classification: Likely benign for Left ventricular noncompaction 1. Last evaluated: 2022-04-28. Review status: criteria provided, single submitter. Criteria: Invitae Variant Classification Sherloc (09022015). Collection method: clinical testing. Allele origin: germline.

GeneDx
Classification: Likely benign. Last evaluated: 2017-05-03. Review status: criteria provided, single submitter. Criteria: GeneDx Variant Classification (06012015). Collection method: clinical testing. Allele origin: germline. Affected: yes.
Comment: This variant is considered likely benign or benign based on one or more of the following criteria: it is a conservative change, it occurs at a poorly conserved position in the protein, it is predicted to be benign by multiple in silico algorithms, and/or has population frequency not consistent with disease.